The following is an entry in ClinVar:

ClinVar aggregate classification (germline): Uncertain significance (1 of 4 stars; one submission).

gnomAD v4.1: 3 of 1,613,222 alleles (0.00019%); highest among the groups gnomAD compares: Non-Finnish European, 0.00025%; no homozygotes.

Submission:

Women's Health and Genetics/Laboratory Corporation of America, LabCorp
Classification: Uncertain significance. Last evaluated: 2024-06-13. Review status: criteria provided, single submitter. Criteria: LabCorp Variant Classification Summary - May 2015. Collection method: clinical testing. Allele origin: germline.
Comment: Variant summary: POLR3B c.1690A>G (p.Arg564Gly) results in a non-conservative amino acid change located in the RNA polymerase Rpb2, domain 4 (IPR007646) of the encoded protein sequence. Five of five in-silico tools predict a damaging effect of the variant on protein function. The variant was absent in 251004 control chromosomes. The available data on variant occurrences in the general population are insufficient to allow any conclusion about variant significance. To our knowledge, no occurrence of c.1690A>G in individuals affected with POLR3-Related Leukodystrophy and no experimental evidence demonstrating its impact on protein function have been reported. No submitters have cited clinical-significance assessments for this variant to ClinVar. Based on the evidence outlined above, the variant was classified as uncertain significance.

NM_018082.6(POLR3B):c.1690A>G (p.Arg564Gly)

Gene: POLR3B (RNA polymerase III subunit B; plus strand). Cytogenetic location: 12q23.3.
Variant type: single nucleotide variant.
Coding change: c.1690A>G on transcript NM_018082.6 (MANE Select); coding-DNA position 1690, A replaced by G.
Protein change: p.Arg564Gly; replaces arginine 564 with glycine.
Molecular consequence: missense variant.
Genome position (GRCh38, 1-based): chr12:106,433,781, A>G. VCF-style: chr12-106433781-A-G. GRCh37 (hg19) VCF-style: chr12-106827559-A-G.
Other names: c.1516A>G, p.Arg506Gly (NM_001160708.2); short protein forms R506G, R564G.
Identifiers: ClinVar variation 3339538 (VCV003339538.1).